The following is an entry in ClinVar:

ClinVar aggregate classification (germline): Uncertain significance. Review status: criteria provided, multiple submitters, no conflicts (2 of 4 stars). 2 submissions from 2 submitters: Uncertain significance (2). Last evaluated 2023-10-28.

Conditions:
Hereditary cancer-predisposing syndrome. Also called: Neoplastic Syndromes, Hereditary; Tumor predisposition; Hereditary Cancer Syndrome; Hereditary neoplastic syndrome. Identifiers: Orphanet 140162, MedGen C0027672, MeSH D009386, MONDO:0015356.

Submissions (2):

Labcorp Genetics (formerly Invitae), Labcorp
Classification: Uncertain significance. Last evaluated: 2023-10-28. Review status: criteria provided, single submitter. Criteria: Invitae Variant Classification Sherloc (09022015). Collection method: clinical testing. Allele origin: germline.
Comment: This sequence change creates a premature translational stop signal (p.Ser56Asnfs*36) in the HOXB13 gene. It is expected to result in an absent or disrupted protein product. However, the current clinical and genetic evidence is not sufficient to establish whether loss-of-function variants in HOXB13 cause disease. This variant is present in population databases (no rsID available, gnomAD 0.0009%). This variant has not been reported in the literature in individuals affected with HOXB13-related conditions. ClinVar contains an entry for this variant (Variation ID: 819739). In summary, the available evidence is currently insufficient to determine the role of this variant in disease. Therefore, it has been classified as a Variant of Uncertain Significance.

Ambry Genetics
Classification: Uncertain significance for Hereditary cancer-predisposing syndrome. Last evaluated: 2019-06-07. Review status: criteria provided, single submitter. Criteria: Ambry Variant Classification Scheme 2023. Collection method: clinical testing. Allele origin: germline.
Comment: The c.166_184del19 variant, located in coding exon 1 of the HOXB13 gene, results from a deletion of 19 nucleotides at nucleotide positions 166 to 184, causing a translational frameshift with a predicted alternate stop codon (p.S56Nfs*36). This alteration is expected to result in premature protein truncation or nonsense-mediated mRNA decay. However, loss of function via haploinsufficiency in HOXB13 has not been clearly established as a mechanism of disease. Since supporting evidence is limited at this time, the clinical significance of this alteration remains unclear.

NM_006361.6(HOXB13):c.166_184del (p.Ser56fs)

Gene: HOXB13 (homeobox B13; minus strand). Cytogenetic location: 17q21.32.
Variant type: Deletion.
Coding change: c.166_184del on transcript NM_006361.6 (MANE Select); coding-DNA positions 166 to 184, 19 bases deleted (TCGGCGGAGCCGCCAAAGC).
Protein change: p.Ser56fs; shifts the reading frame from serine 56.
Molecular consequence: frameshift variant.
Genome position (GRCh38, 1-based): chr17:48,728,410-48,728,428, GCTTTGGCGGCTCCGCCGA deleted on the plus strand (TCGGCGGAGCCGCCAAAGC on the coding strand, the reverse complement: HOXB13 is on the minus strand); deleting any 19 consecutive bases within chr17:48,728,410-48,728,430 gives the same sequence; the c. name uses the placement nearest the transcript's 3' end. VCF-style (leftmost placement, unchanged base first): chr17-48728409-TGCTTTGGCGGCTCCGCCGA-T. GRCh37 (hg19) VCF-style: chr17-46805771-TGCTTTGGCGGCTCCGCCGA-T.
Other names: short protein forms S56fs.
Identifiers: ClinVar variation 819739 (VCV000819739.7), dbSNP rs1176625759, ClinGen allele CA626687081.